The following is an entry in ClinVar:

ClinVar aggregate classification (germline): Uncertain significance. Review status: criteria provided, multiple submitters, no conflicts (2 of 4 stars). 3 submissions from 3 submitters: Uncertain significance (3). Last evaluated 2024-10-16.

Conditions:
Hereditary cancer-predisposing syndrome. Also called: Tumor predisposition; Neoplastic Syndromes, Hereditary; Hereditary neoplastic syndrome; Hereditary Cancer Syndrome. Identifiers: Orphanet 140162, MedGen C0027672, MeSH D009386, MONDO:0015356.
Ataxia-telangiectasia syndrome (AT). Also called: Ataxia-telangiectasia, complementation group D; AT, COMPLEMENTATION GROUP C; ATAXIA-TELANGIECTASIA, COMPLEMENTATION GROUP A; ATAXIA-TELANGIECTASIA, FRESNO VARIANT; Ataxia-telangiectasia; Ataxia telangiectasia (A-T). Identifiers: Orphanet 100, MedGen C0004135, MONDO:0008840, OMIM 208900.

Submissions (3):

Labcorp Genetics (formerly Invitae), Labcorp
Classification: Uncertain significance for Ataxia-telangiectasia syndrome. Last evaluated: 2024-10-16. Review status: criteria provided, single submitter. Criteria: Invitae Variant Classification Sherloc (09022015). Collection method: clinical testing. Allele origin: germline.
Comment: This sequence change replaces leucine, which is neutral and non-polar, with proline, which is neutral and non-polar, at codon 2293 of the ATM protein (p.Leu2293Pro). This variant is not present in population databases (gnomAD no frequency). This variant has not been reported in the literature in individuals affected with ATM-related conditions. ClinVar contains an entry for this variant (Variation ID: 1003804). Invitae Evidence Modeling of protein sequence and biophysical properties (such as structural, functional, and spatial information, amino acid conservation, physicochemical variation, residue mobility, and thermodynamic stability) indicates that this missense variant is expected to disrupt ATM protein function with a positive predictive value of 80%. In summary, the available evidence is currently insufficient to determine the role of this variant in disease. Therefore, it has been classified as a Variant of Uncertain Significance.

Athena Diagnostics
Classification: Uncertain significance. Last evaluated: 2022-12-27. Review status: criteria provided, single submitter. Criteria: Athena Diagnostics Criteria. Collection method: clinical testing. Allele origin: unknown.
Comment: Available data are insufficient to determine the clinical significance of the variant at this time. This variant has not been reported in large, multi-ethnic general populations. Computational tools predict that this variant is damaging.

Ambry Genetics
Classification: Uncertain significance for Hereditary cancer-predisposing syndrome. Last evaluated: 2022-04-22. Review status: criteria provided, single submitter. Criteria: Ambry Variant Classification Scheme 2023. Collection method: clinical testing. Allele origin: germline.
Comment: The p.L2293P variant (also known as c.6878T>C), located in coding exon 46 of the ATM gene, results from a T to C substitution at nucleotide position 6878. The leucine at codon 2293 is replaced by proline, an amino acid with similar properties. This amino acid position is highly conserved in available vertebrate species. In addition, this alteration is predicted to be deleterious by in silico analysis. Since supporting evidence is limited at this time, the clinical significance of this alteration remains unclear.

NM_000051.4(ATM):c.6878T>C (p.Leu2293Pro)

Genes: ATM (ATM serine/threonine kinase; plus strand), C11orf65 (chromosome 11 open reading frame 65; minus strand). Cytogenetic location: 11q22.3.
Variant type: single nucleotide variant.
Coding change: c.6878T>C on transcript NM_000051.4 (MANE Select); coding-DNA position 6878, T replaced by C.
Protein change: p.Leu2293Pro; replaces leucine 2293 with proline.
Molecular consequence: missense variant. On other transcripts: intron variant (2).
Genome position (GRCh38, 1-based): chr11:108,326,128, T>C. VCF-style: chr11-108326128-T-C. GRCh37 (hg19) VCF-style: chr11-108196855-T-C.
Other names: c.6878T>C, p.Leu2293Pro (NM_001351834.2); c.641-17057A>G (NM_001330368.2); c.*38+9092A>G (NM_001351110.2); short protein forms L2293P.
Identifiers: ClinVar variation 1003804 (VCV001003804.50), dbSNP rs1450429233, ClinGen allele CA382556808.